The following is an entry in ClinVar:

ClinVar aggregate classification (germline): Likely pathogenic. Review status: reviewed by expert panel (3 of 4 stars). 2 submissions from 2 submitters: Likely pathogenic (1). 1 of the submissions does not count toward it. Last evaluated 2024-07-29.

Conditions:
T-cell lymphopenia, infantile, with or without nail dystrophy, autosomal dominant. Identifiers: Orphanet 676039, MedGen C5394133, MONDO:0032928, OMIM 618806.
T-cell immunodeficiency, congenital alopecia, and nail dystrophy. Also called: Congenital alopecia and nail dystrophy associated with severe functional T-cell immunodeficiency; Pignata Guarino syndrome. Identifiers: Orphanet 169095, MedGen C1866426, MONDO:0011132, OMIM 601705.

Submissions (2):

ClinGen Severe Combined Immunodeficiency Variant Curation Expert Panel, ClinGen
Classification: Likely pathogenic for T-cell immunodeficiency, congenital alopecia, and nail dystrophy. Last evaluated: 2024-07-29. Review status: reviewed by expert panel. Criteria: ClinGen SCID ACMG Specifications FOXN1 V1.0.0. Collection method: curation. Allele origin: germline. Inheritance: Semidominant inheritance.
Comment: The NM_001369369.1(FOXN1):c.1418del (p.Pro473HisfsTer?) variant in exon 8 results in a premature stop codon in the final exon (exon 9) at codon 549. It is not predicted to cause NMD but would truncate 15% of the protein, including most of the transactivation domain which is critical to protein function (PVS1_Strong). The variant is absent from gnomADv4.0 (PM2_Supporting). At least one heterozygous patient has been reported with a specific phenotype of nail dystrophy and T−B+NK+ SCID (Patient P19 of PMID: 31447097,also reported as P16 in PMID: 31566583; PP4). A luciferase reporter construct was cotransfected into heterologous cells together with an expression vector containing FOXN1. This variant had 1.5% luciferase activity compared to WT. In summary this variant meets criteria to be classified as likely pathogenic for semidominant T-cell immunodeficiency, congenital alopecia, and nail dystrophy due to FOXN1 deficiency based on the ACMG/AMP criteria applied: PVS1_strong, PM2_supporting, and PP4, as specified by the ClinGen SCID VCEP FOXN1 subgroup.

OMIM
Classification: Pathogenic for T-CELL LYMPHOPENIA, INFANTILE, WITH NAIL DYSTROPHY, AUTOSOMAL DOMINANT. Last evaluated: 2020-11-11. Review status: no assertion criteria provided. Collection method: literature only. Allele origin: germline. Not counted in ClinVar's aggregate classification.

Literature cited by the submitters: PubMed 31447097 (cited by OMIM).

NM_001369369.1(FOXN1):c.1418del (p.Pro473fs)

Gene: FOXN1 (forkhead box N1; plus strand). Cytogenetic location: 17q11.2.
Variant type: Deletion.
Coding change: c.1418del on transcript NM_001369369.1 (MANE Select); coding-DNA position 1418, one base deleted (C; older notation c.1418delC).
Protein change: p.Pro473fs; shifts the reading frame from proline 473.
Molecular consequence: frameshift variant.
Genome position (GRCh38, 1-based): chr17:28,534,989, C deleted; the last of 3 consecutive C bases (chr17:28,534,987-28,534,989); deleting any one gives the same sequence. VCF-style (leftmost placement, unchanged base first): chr17-28534986-TC-T. GRCh37 (hg19) VCF-style: chr17-26862004-TC-T.
Other names: NM_001369369.1(FOXN1):c.1418del; p.Pro473fs; c.1418del, p.Pro473fs (NM_003593.3); short protein forms P473fs.
Identifiers: ClinVar variation 827578 (VCV000827578.4), dbSNP rs1597568117, ClinGen allele CA915949642.